The following is an entry in ClinVar:

ClinVar aggregate classification (germline): Conflicting classifications of pathogenicity. Review status: criteria provided, conflicting classifications (1 of 4 stars). 3 submissions from 3 submitters: Uncertain significance (2); Likely benign (1). Last evaluated 2025-11-05.

Conditions:
Inborn genetic diseases. Identifiers: MedGen C0950123, MeSH D030342.
Hypotonia, infantile, with psychomotor retardation and characteristic facies 1 (INNFD). Identifiers: Orphanet 371364, Orphanet 700336, MedGen C3809454, MONDO:0024567, OMIM 615419.
Congenital contractures of the limbs and face, hypotonia, and developmental delay (CLIFAHDD). Identifiers: Orphanet 562528, MedGen C4225398, MONDO:0014556, OMIM 616266.

Allele frequency attached by ClinVar (database versions not stated): gnomAD exomes 0.00002; TOPMed 0.00009; ExAC 0.00010; gnomAD 0.00011; ESP Exome Variant Server 0.00038.
gnomAD v4.1: 54 of 1,608,310 alleles (0.0034%); highest among the groups gnomAD compares: African/African-American, 0.028%; no homozygotes.

Submissions (3):

Labcorp Genetics (formerly Invitae), Labcorp
Classification: Likely benign. Last evaluated: 2025-11-05. Review status: criteria provided, single submitter. Criteria: Invitae Variant Classification Sherloc (09022015). Collection method: clinical testing. Allele origin: germline.

GeneDx
Classification: Uncertain significance. Last evaluated: 2025-09-26. Review status: criteria provided, single submitter. Criteria: GeneDx Variant Classification Process June 2021. Collection method: clinical testing. Allele origin: germline.
Comment: Has not been previously published as pathogenic or benign to our knowledge; In silico analysis suggests that this missense variant does not alter protein structure/function

Ambry Genetics
Classification: Uncertain significance for Inborn genetic diseases. Last evaluated: 2025-02-26. Review status: criteria provided, single submitter. Criteria: Ambry Variant Classification Scheme 2023. Collection method: clinical testing. Allele origin: germline.

NM_052867.4(NALCN):c.2266G>A (p.Val756Met)

Gene: NALCN (sodium leak channel, non-selective; minus strand). Cytogenetic location: 13q33.1.
Variant type: single nucleotide variant.
Coding change: c.2266G>A on transcript NM_052867.4 (MANE Select); coding-DNA position 2266, G replaced by A.
Protein change: p.Val756Met; replaces valine 756 with methionine.
Molecular consequence: missense variant.
Genome position (GRCh38, 1-based): chr13:101,111,153, C>T on the plus strand (G>A on the coding strand, the complement: NALCN is on the minus strand). VCF-style: chr13-101111153-C-T. GRCh37 (hg19) VCF-style: chr13-101763504-C-T.
Other names: c.2353G>A, p.Val785Met (NM_001350748.2); c.2266G>A, p.Val756Met (NM_001350749.2); c.2179G>A, p.Val727Met (NM_001350750.2, NM_001350751.2); short protein forms V727M, V756M, V785M.
Identifiers: ClinVar variation 1135698 (VCV001135698.14), dbSNP rs149203278, ClinGen allele CA7035772.